The following is an entry in ClinVar:

ClinVar aggregate classification (germline): Uncertain significance (1 of 4 stars; one submission).

gnomAD v4.1: 2 of 1,613,928 alleles (0.00012%); highest among the groups gnomAD compares: Non-Finnish European, 0.00017%; no homozygotes.

Submission:

Mayo Clinic Laboratories, Mayo Clinic
Classification: Uncertain significance. Last evaluated: 2025-11-16. Review status: criteria provided, single submitter. Criteria: ACMG Guidelines, 2015. Collection method: clinical testing. Allele origin: germline. Observed: 1 variant allele.
Comment: PP3, PM2_supporting

NM_000081.4(LYST):c.2900G>T (p.Cys967Phe)

Gene: LYST (lysosomal trafficking regulator; minus strand). Cytogenetic location: 1q42.3.
Variant type: single nucleotide variant.
Coding change: c.2900G>T on transcript NM_000081.4 (MANE Select); coding-DNA position 2900, G replaced by T.
Protein change: p.Cys967Phe; replaces cysteine 967 with phenylalanine.
Molecular consequence: missense variant.
Genome position (GRCh38, 1-based): chr1:235,806,236, C>A on the plus strand (G>T on the coding strand, the complement: LYST is on the minus strand). VCF-style: chr1-235806236-C-A. GRCh37 (hg19) VCF-style: chr1-235969536-C-A.
Other names: p.Cys967Phe; c.2900G>T, p.Cys967Phe (NM_001301365.1); short protein forms C967F.
Identifiers: ClinVar variation 4542436 (VCV004542436.1).